The following is an entry in ClinVar:

ClinVar aggregate classification (germline): Pathogenic. Review status: criteria provided, multiple submitters, no conflicts (2 of 4 stars). 3 submissions from 3 submitters: Pathogenic (3). Last evaluated 2025-07-14.

Conditions:
Hereditary cancer-predisposing syndrome. Also called: Tumor predisposition; Hereditary neoplastic syndrome; Neoplastic Syndromes, Hereditary; Hereditary Cancer Syndrome. Identifiers: Orphanet 140162, MedGen C0027672, MeSH D009386, MONDO:0015356.
Familial cancer of breast. Also called: Hereditary breast cancer; BREAST CANCER, FAMILIAL; hereditary breast carcinoma. Identifiers: Orphanet 227535, MedGen C0346153, MONDO:0016419, OMIM 114480. Disease mechanism: loss of function.

Submissions (3):

Ambry Genetics
Classification: Pathogenic for Hereditary cancer-predisposing syndrome. Last evaluated: 2025-07-14. Review status: criteria provided, single submitter. Criteria: Ambry Variant Classification Scheme 2023. Collection method: clinical testing. Allele origin: germline.
Comment: The c.652G>T (p.E218*) alteration, located in exon 4 (coding exon 4) of the PALB2 gene, consists of a G to T substitution at nucleotide position 652. This changes the amino acid from a glutamic acid (E) to a stop codon at amino acid position 218. This alteration is expected to result in loss of function by premature protein truncation or nonsense-mediated mRNA decay. This variant was not reported in population-based cohorts in the Genome Aggregation Database (gnomAD). Based on the available evidence, this alteration is classified as pathogenic.

Myriad Genetics, Inc.
Classification: Pathogenic for Familial cancer of breast. Last evaluated: 2024-08-08. Review status: criteria provided, single submitter. Criteria: Myriad Autosomal Dominant, Autosomal Recessive and X-Linked Classification Criteria (2023). Collection method: clinical testing. Allele origin: unknown.
Comment: This variant is considered pathogenic. This variant creates a termination codon and is predicted to result in premature protein truncation.

Labcorp Genetics (formerly Invitae), Labcorp
Classification: Pathogenic for Familial cancer of breast. Last evaluated: 2021-06-23. Review status: criteria provided, single submitter. Criteria: Invitae Variant Classification Sherloc (09022015). Collection method: clinical testing. Allele origin: germline.
Comment: This sequence change creates a premature translational stop signal (p.Glu218*) in the PALB2 gene. It is expected to result in an absent or disrupted protein product. Loss-of-function variants in PALB2 are known to be pathogenic (PMID: 17200668, 24136930, 25099575). This variant is not present in population databases (ExAC no frequency). This variant has not been reported in the literature in individuals with PALB2-related conditions. For these reasons, this variant has been classified as Pathogenic.

Literature cited by the submitters: PubMed 17200668 (cited by Labcorp Genetics (formerly Invitae), Labcorp); PubMed 24136930 (cited by Labcorp Genetics (formerly Invitae), Labcorp); PubMed 25099575 (cited by Labcorp Genetics (formerly Invitae), Labcorp).

NM_024675.4(PALB2):c.652G>T (p.Glu218Ter)

Gene: PALB2 (partner and localizer of BRCA2; minus strand). Cytogenetic location: 16p12.2.
Variant type: single nucleotide variant.
Coding change: c.652G>T on transcript NM_024675.4 (MANE Select); coding-DNA position 652, G replaced by T.
Protein change: p.Glu218Ter; replaces glutamic acid 218 with a stop codon.
Molecular consequence: nonsense.
Genome position (GRCh38, 1-based): chr16:23,635,894, C>A on the plus strand (G>T on the coding strand, the complement: PALB2 is on the minus strand). VCF-style: chr16-23635894-C-A. GRCh37 (hg19) VCF-style: chr16-23647215-C-A.
Other names: c.652G>T (NM_024675.3); short protein forms E218*.
Identifiers: ClinVar variation 1360701 (VCV001360701.9), dbSNP rs2142438340, ClinGen allele CA395136492.